The following is an entry in ClinVar:

ClinVar aggregate classification (germline): Uncertain significance (1 of 4 stars; one submission).

gnomAD v4.1: 9 of 1,613,888 alleles (0.00056%); highest among the groups gnomAD compares: Non-Finnish European, 0.00076%; no homozygotes.

Submission:

Mayo Clinic Laboratories, Mayo Clinic
Classification: Uncertain significance. Last evaluated: 2025-10-21. Review status: criteria provided, single submitter. Criteria: ACMG Guidelines, 2015. Collection method: clinical testing. Allele origin: germline. Observed: 1 variant allele.
Comment: PM2_supporting

NM_001145809.2(MYH14):c.478G>A (p.Glu160Lys)

Gene: MYH14 (myosin heavy chain 14; plus strand). Cytogenetic location: 19q13.33.
Variant type: single nucleotide variant.
Coding change: c.478G>A on transcript NM_001145809.2 (MANE Select); coding-DNA position 478, G replaced by A.
Protein change: p.Glu160Lys; replaces glutamic acid 160 with lysine.
Molecular consequence: missense variant.
Genome position (GRCh38, 1-based): chr19:50,217,687, G>A. VCF-style: chr19-50217687-G-A. GRCh37 (hg19) VCF-style: chr19-50720944-G-A.
Other names: p.Glu160Lys; c.478G>A, p.Glu160Lys (NM_001077186.2, NM_024729.4); short protein forms E160K.
Identifiers: ClinVar variation 4542364 (VCV004542364.1).
Genomic context (GRCh38, chr19:50,217,687, plus strand): 5'-CTTTTCTGTGTGGTCATCAACCCGTACAAGCAGCTTCCCATCTACACAGAAGCCATTGTG[G>A]AGATGTACCGGGGCAAGAAGCGCCACGAGGTGCCACCCCACGTGTACGCAGTGACCGAGG-3'
Protein context (NP_001139281.1, residues 150-170): QLPIYTEAIV[Glu160Lys]MYRGKKRHEV